The following is an entry in ClinVar:

NM_000245.4(MET):c.748G>A (p.Val250Ile)

Gene: MET (MET proto-oncogene, receptor tyrosine kinase; plus strand). Cytogenetic location: 7q31.2.
Variant type: single nucleotide variant.
Coding change: c.748G>A on transcript NM_000245.4 (MANE Select); coding-DNA position 748, G replaced by A.
Protein change: p.Val250Ile; replaces valine 250 with isoleucine.
Molecular consequence: missense variant. On other transcripts: intron variant (1).
Genome position (GRCh38, 1-based): chr7:116,699,832, G>A. VCF-style: chr7-116699832-G-A. GRCh37 (hg19) VCF-style: chr7-116339886-G-A.
Other names: c.748G>A, p.Val250Ile (NM_001127500.3, NM_001324401.3); c.-91+27255G>A (NM_001324402.2); short protein forms V250I.
Identifiers: ClinVar variation 1349688 (VCV001349688.8), dbSNP rs2116596826, ClinGen allele CA368969761.

ClinVar aggregate classification (germline): Uncertain significance (1 of 4 stars; one submission).

Conditions:
Renal cell carcinoma. Identifiers: Orphanet 217071, MedGen C0007134, MeSH D002292, MONDO:0005086, HP:0005584.

Allele frequency attached by ClinVar (database versions not stated): gnomAD exomes below 0.00001.
gnomAD v4.1: 2 of 1,614,080 alleles (0.00012%); highest among the groups gnomAD compares: South Asian, 0.0011%; no homozygotes.

Submission:

Labcorp Genetics (formerly Invitae), Labcorp
Classification: Uncertain significance for Renal cell carcinoma. Last evaluated: 2024-09-17. Review status: criteria provided, single submitter. Criteria: Invitae Variant Classification Sherloc (09022015). Collection method: clinical testing. Allele origin: germline.
Comment: This sequence change replaces valine, which is neutral and non-polar, with isoleucine, which is neutral and non-polar, at codon 250 of the MET protein (p.Val250Ile). This variant is not present in population databases (gnomAD no frequency). This variant has not been reported in the literature in individuals affected with MET-related conditions. ClinVar contains an entry for this variant (Variation ID: 1349688). Invitae Evidence Modeling of protein sequence and biophysical properties (such as structural, functional, and spatial information, amino acid conservation, physicochemical variation, residue mobility, and thermodynamic stability) indicates that this missense variant is not expected to disrupt MET protein function with a negative predictive value of 80%. In summary, the available evidence is currently insufficient to determine the role of this variant in disease. Therefore, it has been classified as a Variant of Uncertain Significance.